The following is an entry in ClinVar:

ClinVar aggregate classification (germline): Conflicting classifications of pathogenicity. Review status: criteria provided, conflicting classifications (1 of 4 stars). 16 submissions from 15 submitters: Uncertain significance (13); Likely benign (2). 1 of the submissions does not count toward it. Last evaluated 2026-02-01.

Conditions:
Familial cancer of breast. Also called: hereditary breast carcinoma; BREAST CANCER, FAMILIAL; Hereditary breast cancer. Identifiers: Orphanet 227535, MedGen C0346153, MONDO:0016419, OMIM 114480. Disease mechanism: loss of function.
Hereditary diffuse gastric adenocarcinoma (HDGC). Also called: DIFFUSE GASTRIC AND LOBULAR BREAST CANCER SYNDROME. Identifiers: Orphanet 26106, MedGen C1708349, MONDO:0007648, OMIM 137215.
Endometrial carcinoma. Also called: Endometrial carcinoma, somatic. Identifiers: MedGen C0476089, MONDO:0002447, OMIM 608089, HP:0012114.
Ovarian neoplasm. Also called: Neoplasm of ovary; Ovarian tumor; Ovarian Neoplasms. Identifiers: MedGen C0919267, MeSH D010051, MONDO:0021068, HP:0100615.
Prostate cancer. Also called: Malignant tumor of prostate. Identifiers: Orphanet 1331, MedGen C0376358, MONDO:0008315, HP:0012125.
Blepharocheilodontic syndrome 1 (BCDS1). Identifiers: Orphanet 1997, MedGen C4551988, MONDO:0054740, OMIM 119580.
Hereditary cancer-predisposing syndrome. Also called: Neoplastic Syndromes, Hereditary; Hereditary neoplastic syndrome; Hereditary Cancer Syndrome; Tumor predisposition. Identifiers: Orphanet 140162, MedGen C0027672, MeSH D009386, MONDO:0015356.

Allele frequency attached by ClinVar (database versions not stated): 1000 Genomes Project 0.00020; ExAC 0.00009; 1000 Genomes Project 30x 0.00016; gnomAD 0.00001; TOPMed 0.00001; gnomAD exomes 0.00005.
gnomAD v4.1: 63 of 1,614,146 alleles (0.0039%); highest among the groups gnomAD compares: South Asian, 0.013%; 1 homozygote.

Submissions 1 to 10 of 16:

Labcorp Genetics (formerly Invitae), Labcorp
Classification: Uncertain significance for Hereditary diffuse gastric adenocarcinoma. Last evaluated: 2026-02-01. Review status: criteria provided, single submitter. Criteria: Invitae Variant Classification Sherloc (09022015). Collection method: clinical testing. Allele origin: germline.
Comment: This sequence change replaces valine, which is neutral and non-polar, with isoleucine, which is neutral and non-polar, at codon 391 of the CDH1 protein (p.Val391Ile). The frequency data for this variant in the population databases is considered unreliable, as metrics indicate poor data quality at this position in the gnomAD database. This missense change has been observed in individual(s) with breast cancer (PMID: 25186627, 36436516). ClinVar contains an entry for this variant (Variation ID: 184651). An algorithm developed to predict the effect of missense changes on protein structure and function (PolyPhen-2) suggests that this variant is likely to be tolerated. In summary, the available evidence is currently insufficient to determine the role of this variant in disease. Therefore, it has been classified as a Variant of Uncertain Significance.

Center for Genomic Medicine, Rigshospitalet, Copenhagen University Hospital
Classification: Uncertain significance. Last evaluated: 2025-12-29. Review status: criteria provided, single submitter. Criteria: ACMG Guidelines, 2015. Collection method: clinical testing. Allele origin: germline.

Quest Diagnostics Nichols Institute San Juan Capistrano
Classification: Uncertain significance. Last evaluated: 2025-07-30. Review status: criteria provided, single submitter. Criteria: Quest Diagnostics criteria. Collection method: clinical testing. Allele origin: unknown.
Comment: The CDH1 c.1171G>A (p.Val391Ile) variant has been reported in the published literature in individuals with breast cancer (PMID: 36436516 (2023), 33471991 (2021), see also LOVD, 25186627 (2015)), pancreatic cancer (PMID: 35171259 (2022)) and in reportedly unaffected individuals (PMID: 36243179 (2022), 33471991 (2021), see also LOVD, 29641532 (2018)). The frequency of this variant in the general population (Genome Aggregation Database) is higher than would generally be expected for pathogenic variants in this gene. Analysis of this variant using bioinformatics tools for the prediction of the effect of amino acid changes on protein structure and function yielded predictions that this variant is benign. Based on the available information, we are unable to determine the clinical significance of this variant.

GeneDx
Classification: Uncertain significance. Last evaluated: 2023-07-28. Review status: criteria provided, single submitter. Criteria: GeneDx Variant Classification Process June 2021. Collection method: clinical testing. Allele origin: germline. Affected: yes.
Comment: In silico analysis supports that this missense variant does not alter protein structure/function; Identified in individuals with a personal history of breast or other cancers, but also present in unaffected controls (Tung et al., 2015; Dorling et al., 2021; Yin et al., 2022); This variant is associated with the following publications: (PMID: 25186627, 30287823, 33471991, 15235021, 22850631, 29641532, 36436516, 35171259)

KCCC/NGS Laboratory, Kuwait Cancer Control Center
Classification: Uncertain significance for Hereditary diffuse gastric adenocarcinoma. Last evaluated: 2023-07-10. Review status: criteria provided, single submitter. Criteria: ACMG Guidelines, 2015. Collection method: clinical testing. Allele origin: unknown. Inheritance: Autosomal dominant inheritance. Affected: yes. Observed: 1 heterozygote.
Comment: The CDH1 gene sequence change replaces valine with isoleucine at codon 391 of the CDH1 protein (p.Val391Ile). The valine residue is weakly conserved and there is a small physicochemical difference between valine and isoleucine. This variant is present in population databases (rs556110297, ExAC 0.02%), and has an allele count higher than expected for a pathogenic variant (PMID: 28166811). This variant has been observed in an individual affected with breast cancer (PMID: 25186627). ClinVar contains an entry for this variant (Variation ID: 184651). Algorithms developed to predict the effect of missense changes on protein structure and function (SIFT, PolyPhen-2, Align- GVGD) all suggest that this variant is likely to be tolerated, but these predictions have not been confirmed by published functional studies and their clinical significance is uncertain. Therefore, it has been classified as a Variant of Uncertain Significance. Heterozygous pathogenic and likely pathogenic variants in the CDH1 gene cause increased susceptibility to breast cancer (OMIM# 114480).

KCCC/NGS Laboratory, Kuwait Cancer Control Center
Classification: Uncertain significance for Familial cancer of breast. Last evaluated: 2023-07-07. Review status: criteria provided, single submitter. Criteria: ACMG Guidelines, 2015. Collection method: clinical testing. Allele origin: unknown. Affected: yes.
Comment: The CDH1 gene sequence change replaces valine with isoleucine at codon 391 of the CDH1 protein (p.Val391Ile). The valine residue is weakly conserved and there is a small physicochemical difference between valine and isoleucine. This variant is present in population databases (rs556110297, ExAC 0.02%), and has an allele count higher than expected for a pathogenic variant (PMID: 28166811). This variant has been observed in an individual affected with breast cancer (PMID: 25186627). ClinVar contains an entry for this variant (Variation ID: 184651). Algorithms developed to predict the effect of missense changes on protein structure and function (SIFT, PolyPhen-2, Align- GVGD) all suggest that this variant is likely to be tolerated, but these predictions have not been confirmed by published functional studies and their clinical significance is uncertain. Therefore, it has been classified as a Variant of Uncertain Significance.

Color Diagnostics, LLC DBA Color Health
Classification: Likely benign for Hereditary cancer-predisposing syndrome. Last evaluated: 2023-06-27. Review status: criteria provided, single submitter. Criteria: ACMG Guidelines, 2015. Collection method: clinical testing. Allele origin: germline.

Neuberg Centre For Genomic Medicine, NCGM
Classification: Uncertain significance for Familial cancer of breast. Last evaluated: 2023-05-20. Review status: criteria provided, single submitter. Criteria: ACMG Guidelines, 2015. Collection method: clinical testing. Allele origin: germline. Inheritance: Autosomal dominant inheritance. Affected: yes.
Comment: The observed missense variant c.1171G>A(p.Val391Ile) in CDH1 gene has been reported previously in heterozygous state in an individual with breast cancer (Tung N, et al., 2015). The c.1171G>A variant is reported with 0.004% allele frequency in gnomAD Exomes. This variant has been submitted to the ClinVar database as Likely Benign/Uncertain Significnace (multiple submissions). The amino acid Valine at position 391 is changed to a Isoleucine changing protein sequence and it might alter its composition and physico-chemical properties. Multiple lines of computational evidence (Polyphen-Benign, SIFT-Tolerated and Mutation Taster-Polymorphism) predict no damaging effect on protein structure and function for this variant. The reference amino acid p.Val391Ile in CDH1 is predicted as conserved by GERP++ and PhyloP across 100 vertebrates. For these reasons, this variant has been classified as Uncertain Significance.

Myriad Genetics, Inc.
Classification: Uncertain significance for Hereditary diffuse gastric adenocarcinoma. Last evaluated: 2023-03-06. Review status: criteria provided, single submitter. Criteria: Myriad Autosomal Dominant, Autosomal Recessive and X-Linked Classification Criteria (2023). Collection method: clinical testing. Allele origin: unknown.
Comment: This variant is classified as a variant of uncertain significance as there is insufficient evidence to determine its impact on protein function and/or cancer risk.

European Reference Network on Genetic Tumour Risk Syndromes (ERN-GENTURIS), i3s - Instituto de Investigação e Inovação em Saúde, University of Porto
Classification: Uncertain significance for Hereditary diffuse gastric adenocarcinoma. Last evaluated: 2022-08-01. Review status: criteria provided, single submitter. Criteria: Lee et al. (Hum Mutat. 2018). Collection method: clinical testing. Allele origin: germline. Inheritance: Autosomal dominant inheritance. Affected: no. Study: ERN GENTURIS.
Comment: BS2_Supporting (PMID: 30311375)

NM_004360.5(CDH1):c.1171G>A (p.Val391Ile)

Gene: CDH1 (cadherin 1; plus strand). Cytogenetic location: 16q22.1.
Variant type: single nucleotide variant.
Coding change: c.1171G>A on transcript NM_004360.5 (MANE Select); coding-DNA position 1171, G replaced by A.
Protein change: p.Val391Ile; replaces valine 391 with isoleucine.
Molecular consequence: missense variant. On other transcripts: 5 prime UTR variant (2), intron variant (1).
Genome position (GRCh38, 1-based): chr16:68,813,346, G>A. VCF-style: chr16-68813346-G-A. GRCh37 (hg19) VCF-style: chr16-68847249-G-A.
Other names: c.1171G>A (LRG_301t1); c.-445G>A (NM_001317185.2); c.-649G>A (NM_001317186.2); c.1137+1083G>A (NM_001317184.2); short protein forms V391I.
Identifiers: ClinVar variation 184651 (VCV000184651.48), dbSNP rs556110297, ClinGen allele CA189596.
Genomic context (GRCh38, chr16:68,813,346, plus strand): 5'-TAAATGACACATCTCTTTGCTCTGCAGTACAAGGGTCAGGTGCCTGAGAACGAGGCTAAC[G>A]TCGTAATCACCACACTGAAAGTGACTGATGCTGATGCCCCCAATACCCCAGCGTGGGAGG-3'
Protein context (NP_004351.1, residues 381-401): KGQVPENEAN[Val391Ile]VITTLKVTDA